The following is an entry in ClinVar:

ClinVar aggregate classification (germline): Uncertain significance (1 of 4 stars; one submission).

Submission:

CeGaT Center for Human Genetics Tuebingen
Classification: Uncertain significance. Last evaluated: 2024-12-01. Review status: criteria provided, single submitter. Criteria: CeGaT Center For Human Genetics Tuebingen Variant Classification Criteria Version 2. Collection method: clinical testing. Allele origin: germline. Affected: yes. Observed: 1 variant allele.
Comment: MAPK8IP3: PM2, BP4

NM_001318852.2(MAPK8IP3):c.2831C>G (p.Pro944Arg)

Gene: MAPK8IP3 (mitogen-activated protein kinase 8 interacting protein 3; plus strand). Cytogenetic location: 16p13.3.
Variant type: single nucleotide variant.
Coding change: c.2831C>G on transcript NM_001318852.2 (MANE Select); coding-DNA position 2831, C replaced by G.
Protein change: p.Pro944Arg; replaces proline 944 with arginine.
Molecular consequence: missense variant.
Genome position (GRCh38, 1-based): chr16:1,766,540, C>G. VCF-style: chr16-1766540-C-G. GRCh37 (hg19) VCF-style: chr16-1816541-C-G.
Other names: c.2810C>G, p.Pro937Arg (NM_001040439.2); c.2828C>G, p.Pro943Arg (NM_015133.5); short protein forms P937R, P943R, P944R.
Identifiers: ClinVar variation 3772016 (VCV003772016.13).